The following is an entry in ClinVar:

ClinVar aggregate classification (germline): Likely pathogenic. Review status: criteria provided, multiple submitters, no conflicts (2 of 4 stars). 2 submissions from 2 submitters: Likely pathogenic (2). Last evaluated 2024-08-05.

Conditions:
Hereditary cancer-predisposing syndrome. Also called: Neoplastic Syndromes, Hereditary; Hereditary neoplastic syndrome; Hereditary Cancer Syndrome; Tumor predisposition. Identifiers: Orphanet 140162, MedGen C0027672, MeSH D009386, MONDO:0015356.
Hereditary diffuse gastric adenocarcinoma (HDGC). Also called: DIFFUSE GASTRIC AND LOBULAR BREAST CANCER SYNDROME. Identifiers: Orphanet 26106, MedGen C1708349, MONDO:0007648, OMIM 137215.

Submissions (2):

Myriad Genetics, Inc.
Classification: Likely pathogenic for Hereditary diffuse gastric adenocarcinoma. Last evaluated: 2024-08-05. Review status: criteria provided, single submitter. Criteria: Myriad Autosomal Dominant, Autosomal Recessive and X-Linked Classification Criteria (2023). Collection method: clinical testing. Allele origin: unknown.
Comment: This variant is considered likely pathogenic. This variant occurs within a consensus splice junction and is predicted to result in abnormal mRNA splicing of either an out-of-frame exon or an in-frame exon necessary for protein stability and/or normal function.

Department of Molecular Diagnostics, Institute of Oncology Ljubljana
Classification: Likely pathogenic for Hereditary cancer-predisposing syndrome. Last evaluated: 2018-10-24. Review status: criteria provided, single submitter. Criteria: ACMG Guidelines, 2015. Collection method: clinical testing. Allele origin: germline. Affected: yes.

NM_004360.5(CDH1):c.531+1G>T

Gene: CDH1 (cadherin 1; plus strand). Cytogenetic location: 16q22.1.
Variant type: single nucleotide variant.
Coding change: c.531+1G>T on transcript NM_004360.5 (MANE Select); the canonical splice donor site of the intron after coding-DNA position 531, G replaced by T.
Molecular consequence: splice donor variant.
Genome position (GRCh38, 1-based): chr16:68,808,568, G>T. VCF-style: chr16-68808568-G-T. GRCh37 (hg19) VCF-style: chr16-68842471-G-T.
Other names: c.-1085+1G>T (NM_001317185.2); c.-1289+1G>T (NM_001317186.2); c.531+1G>T (NM_001317184.2).
Identifiers: ClinVar variation 617776 (VCV000617776.2), dbSNP rs1131690808, ClinGen allele CA396457826.
Genomic context (GRCh38, chr16:68,808,568, plus strand): 5'-ATTCCTCCCATCAGCTGCCCAGAAAATGAAAAAGGCCCATTTCCTAAAAACCTGGTTCAG[G>T]TAGAGAAAGAAGTTCTCTGTTTCTCTGGGAGGGATTTGGCAGAGAAGTACCAAGGAGAGA-3'